The following is an entry in ClinVar:

ClinVar aggregate classification (germline): Uncertain significance. Review status: criteria provided, multiple submitters, no conflicts (2 of 4 stars). 2 submissions from 2 submitters: Uncertain significance (2). Last evaluated 2026-07-06.

Conditions:
Hereditary cancer-predisposing syndrome. Also called: Tumor predisposition; Hereditary Cancer Syndrome; Hereditary neoplastic syndrome; Neoplastic Syndromes, Hereditary. Identifiers: Orphanet 140162, MedGen C0027672, MeSH D009386, MONDO:0015356.
Mitochondrial complex II deficiency, nuclear type 1. Also called: SUCCINATE CoQ REDUCTASE DEFICIENCY. Identifiers: Orphanet 3208, MedGen C5700310, MONDO:0100294, OMIM 252011.
Pheochromocytoma/paraganglioma syndrome 5. Also called: Paragangliomas 5; SDHA-Related Hereditary Paraganglioma-Pheochromocytoma Syndrome. Identifiers: Orphanet 29072, MedGen C3279992, MONDO:0013602, OMIM 614165.

Allele frequency attached by ClinVar (database versions not stated): gnomAD exomes below 0.00001.
gnomAD v4.1: 2 of 1,614,042 alleles (0.00012%); highest among the groups gnomAD compares: Non-Finnish European, 0.00017%; no homozygotes.

Submissions (2):

Ambry Genetics
Classification: Uncertain significance for Hereditary cancer-predisposing syndrome. Last evaluated: 2026-07-06. Review status: criteria provided, single submitter. Criteria: Ambry Variant Classification Scheme 2023. Collection method: clinical testing. Allele origin: germline.
Comment: The p.L452P variant (also known as c.1355T>C), located in coding exon 10 of the SDHA gene, results from a T to C substitution at nucleotide position 1355. The leucine at codon 452 is replaced by proline, an amino acid with similar properties. This amino acid position is conserved. In addition, this alteration is predicted to be deleterious by in silico analysis. Based on the available evidence, the clinical significance of this variant remains unclear.

Labcorp Genetics (formerly Invitae), Labcorp
Classification: Uncertain significance for Pheochromocytoma/paraganglioma syndrome 5; Mitochondrial complex II deficiency, nuclear type 1. Last evaluated: 2020-06-30. Review status: criteria provided, single submitter. Criteria: Invitae Variant Classification Sherloc (09022015). Collection method: clinical testing. Allele origin: germline.
Comment: In summary, the available evidence is currently insufficient to determine the role of this variant in disease. Therefore, it has been classified as a Variant of Uncertain Significance. Algorithms developed to predict the effect of missense changes on protein structure and function (SIFT, PolyPhen-2, Align-GVGD) all suggest that this variant is likely to be disruptive, but these predictions have not been confirmed by published functional studies and their clinical significance is uncertain. This variant has not been reported in the literature in individuals with SDHA-related conditions. This variant is not present in population databases (ExAC no frequency). This sequence change replaces leucine with proline at codon 452 of the SDHA protein (p.Leu452Pro). The leucine residue is highly conserved and there is a moderate physicochemical difference between leucine and proline.

NM_004168.4(SDHA):c.1355T>C (p.Leu452Pro)

Gene: SDHA (succinate dehydrogenase complex flavoprotein subunit A; plus strand). Cytogenetic location: 5p15.33.
Variant type: single nucleotide variant.
Coding change: c.1355T>C on transcript NM_004168.4 (MANE Select); coding-DNA position 1355, T replaced by C.
Protein change: p.Leu452Pro; replaces leucine 452 with proline.
Molecular consequence: missense variant.
Genome position (GRCh38, 1-based): chr5:236,522, T>C. VCF-style: chr5-236522-T-C. GRCh37 (hg19) VCF-style: chr5-236637-T-C.
Other names: c.1211T>C, p.Leu404Pro (NM_001294332.2); c.1355T>C, p.Leu452Pro (NM_001330758.2); c.1355T>C (NM_004168.2); short protein forms L404P, L452P.
Identifiers: ClinVar variation 1022024 (VCV001022024.10), dbSNP rs1735794275, ClinGen allele CA359013991.
Genomic context (GRCh38, chr5:236,522, plus strand): 5'-TGCCCGGCCTGTACGCCTGTGGGGAGGCCGCCTGTGCCTCGGTACATGGTGCCAACCGCC[T>C]CGGGGCAAACTCGCTCTTGGACCTGGTTGTCTTTGGTCGGGCATGTGCCCTGAGCATCGA-3'
Protein context (NP_004159.2, residues 442-462): ACASVHGANR[Leu452Pro]GANSLLDLVV